The following is an entry in ClinVar:

NM_003482.4(KMT2D):c.1622_1635del (p.Glu541fs)

Gene: KMT2D (lysine methyltransferase 2D; minus strand). Cytogenetic location: 12q13.12.
Variant type: Deletion.
Coding change: c.1622_1635del on transcript NM_003482.4 (MANE Select); coding-DNA positions 1622 to 1635, 14 bases deleted (AAGCATCGCCCCTG).
Protein change: p.Glu541fs; shifts the reading frame from glutamic acid 541.
Molecular consequence: frameshift variant.
Genome position (GRCh38, 1-based): chr12:49,052,048-49,052,061, CAGGGGCGATGCTT deleted on the plus strand (AAGCATCGCCCCTG on the coding strand, the reverse complement: KMT2D is on the minus strand); deleting any 14 consecutive bases within chr12:49,052,048-49,052,065 gives the same sequence; the c. name uses the placement nearest the transcript's 3' end. VCF-style (leftmost placement, unchanged base first): chr12-49052047-ACAGGGGCGATGCTT-A. GRCh37 (hg19) VCF-style: chr12-49445830-ACAGGGGCGATGCTT-A.
Other names: short protein forms E541fs.
Identifiers: ClinVar variation 3383986 (VCV003383986.1).

ClinVar aggregate classification (germline): Pathogenic (1 of 4 stars; one submission).

Conditions:
Branchial cleft anomaly. Also called: BRANCHIAL CLEFT ANOMALIES; Branchial Cleft Remnant. Identifiers: MedGen C0079037, OMIM 113600.

Submission:

Dubai Health Genomic Medicine Center, Dubai Health
Classification: Pathogenic for BRANCHIAL CLEFT ANOMALIES. Last evaluated: 2024-10-04. Review status: criteria provided, single submitter. Criteria: ACMG Guidelines, 2015. Collection method: research. Allele origin: germline. Affected: yes.
Comment: PVS1,PS2,PM2